The following is an entry in ClinVar:

NM_000083.3(CLCN1):c.1644_1645del (p.Glu548fs)

Gene: CLCN1 (chloride voltage-gated channel 1; plus strand). Cytogenetic location: 7q34.
Variant type: Deletion.
Coding change: c.1644_1645del on transcript NM_000083.3 (MANE Select); coding-DNA positions 1644 to 1645, 2 bases deleted (AT; older notation c.1644_1645delAT).
Protein change: p.Glu548fs; shifts the reading frame from glutamic acid 548.
Molecular consequence: frameshift variant. On other transcripts: non-coding transcript variant (1).
Genome position (GRCh38, 1-based): chr7:143,341,990-143,341,991, AT deleted. VCF-style (leftmost placement, unchanged base first): chr7-143341989-AAT-A. GRCh37 (hg19) VCF-style: chr7-143039082-AAT-A.
Other names: short protein forms E548fs.
Identifiers: ClinVar variation 570543 (VCV000570543.6), dbSNP rs1563084597, ClinGen allele CA891842698.

ClinVar aggregate classification (germline): Pathogenic (1 of 4 stars; one submission).

Conditions:
Congenital myotonia, autosomal recessive form. Also called: Becker Generalized Myotonia; BECKER DISEASE; myotonia congenita, autosomal recessive. Identifiers: Orphanet 614, MedGen C0751360, MONDO:0009715, OMIM 255700.
Congenital myotonia, autosomal dominant form (THD). Also called: THOMSEN DISEASE; Myotonia congenita autosomal dominant. Identifiers: Orphanet 614, MedGen C2936781, MONDO:0008055, OMIM 160800.

Submission:

Labcorp Genetics (formerly Invitae), Labcorp
Classification: Pathogenic for Congenital myotonia, autosomal recessive form; Congenital myotonia, autosomal dominant form. Last evaluated: 2017-11-16. Review status: criteria provided, single submitter. Criteria: Invitae Variant Classification Sherloc (09022015). Collection method: clinical testing. Allele origin: germline.
Comment: For these reasons, this variant has been classified as Pathogenic. Loss-of-function variants in CLCN1 are known to be pathogenic (PMID: 17932099, 22094069, 23739125). This sequence change creates a premature translational stop signal (p.Glu548Aspfs*31) in the CLCN1 gene. It is expected to result in an absent or disrupted protein product. This variant is not present in population databases (ExAC no frequency). This variant has not been reported in the literature in individuals with CLCN1-related disease.

Literature cited by the submitters: PubMed 17932099; PubMed 22094069; PubMed 23739125.